The following is an entry in ClinVar:

ClinVar aggregate classification (germline): Uncertain significance. Review status: criteria provided, multiple submitters, no conflicts (2 of 4 stars). 2 submissions from 2 submitters: Uncertain significance (2). Last evaluated 2025-07-25.

Submissions (2):

Ambry Genetics
Classification: Uncertain significance. Last evaluated: 2025-07-25. Review status: criteria provided, single submitter. Criteria: Ambry Variant Classification Scheme 2023. Collection method: clinical testing. Allele origin: germline.
Comment: The p.T770I variant (also known as c.2309C>T), located in coding exon 1 of the MLH3 gene, results from a C to T substitution at nucleotide position 2309. The threonine at codon 770 is replaced by isoleucine, an amino acid with similar properties. This amino acid position is conserved. In addition, this alteration is predicted to be tolerated by in silico analysis. Based on the available evidence, the clinical significance of this variant remains unclear.

Center for Genomic Medicine, Rigshospitalet, Copenhagen University Hospital
Classification: Uncertain significance. Last evaluated: 2025-03-04. Review status: criteria provided, single submitter. Criteria: ACMG Guidelines, 2015. Collection method: clinical testing. Allele origin: germline.

NM_001040108.2(MLH3):c.2309C>T (p.Thr770Ile)

Gene: MLH3 (mutL homolog 3; minus strand). Cytogenetic location: 14q24.3.
Variant type: single nucleotide variant.
Coding change: c.2309C>T on transcript NM_001040108.2 (MANE Select); coding-DNA position 2309, C replaced by T.
Protein change: p.Thr770Ile; replaces threonine 770 with isoleucine.
Molecular consequence: missense variant.
Genome position (GRCh38, 1-based): chr14:75,047,347, G>A on the plus strand (C>T on the coding strand, the complement: MLH3 is on the minus strand). VCF-style: chr14-75047347-G-A. GRCh37 (hg19) VCF-style: chr14-75514050-G-A.
Other names: c.2309C>T, p.Thr770Ile (NM_014381.3); short protein forms T770I.
Identifiers: ClinVar variation 2691942 (VCV002691942.3), dbSNP rs2139565304, ClinGen allele CA390440980.
Genomic context (GRCh38, chr14:75,047,347, plus strand): 5'-ATGTCAGGTTCAACTTGAAGACTGAGATTGGTAGTGACTCCATTACTTTCCTCTACTTCT[G>A]TATCCAGAGGATTTTCAACCTTCCCATATTGCCTCTTAAACTTCTCTAAAGATCCTAGCT-3'
Protein context (NP_001035197.1, residues 760-780): QYGKVENPLD[Thr770Ile]EVEESNGVTT